The following is an entry in ClinVar:

NM_001127222.2(CACNA1A):c.1191A>C (p.Ser397=)

Gene: CACNA1A (calcium voltage-gated channel subunit alpha1 A; minus strand). Cytogenetic location: 19p13.13.
Variant type: single nucleotide variant.
Coding change: c.1191A>C on transcript NM_001127222.2 (MANE Select); coding-DNA position 1191, A replaced by C.
Protein change: p.Ser397=; no amino-acid change (serine 397 retained).
Molecular consequence: synonymous variant.
Genome position (GRCh38, 1-based): chr19:13,334,385, T>G on the plus strand (A>C on the coding strand, the complement: CACNA1A is on the minus strand). VCF-style: chr19-13334385-T-G. GRCh37 (hg19) VCF-style: chr19-13445199-T-G.
Other names: c.1191A>C, p.Ser397= (NM_000068.4, NM_001127221.2, NM_001174080.2 and 1 more transcripts).
Identifiers: ClinVar variation 3067328 (VCV003067328.21), dbSNP rs781149861, ClinGen allele CA505664022.

ClinVar aggregate classification (germline): Likely benign (1 of 4 stars; one submission).

Submission:

CeGaT Center for Human Genetics Tuebingen
Classification: Likely benign. Last evaluated: 2024-03-01. Review status: criteria provided, single submitter. Criteria: CeGaT Center For Human Genetics Tuebingen Variant Classification Criteria Version 2. Collection method: clinical testing. Allele origin: germline. Affected: yes. Observed: 1 variant allele.
Comment: CACNA1A: PM2:Supporting, BP4, BP7